The following is an entry in ClinVar:

ClinVar aggregate classification (germline): Likely pathogenic (1 of 4 stars; one submission).

Conditions:
Intellectual developmental disorder, autosomal dominant 44, with microcephaly. Also called: Micrognathia-recurrent infections-behavioral abnormalities-mild intellectual disability syndrome; TRIO-Related Intellectual Disability. Identifiers: Orphanet 476126, MedGen C4310740, MONDO:0014892, OMIM 617061.

Submission:

Institute of Human Genetics, Clinical Exome/Genome Diagnostics Group, University Hospital Bonn
Classification: Likely pathogenic for Intellectual developmental disorder, autosomal dominant 44, with microcephaly. Last evaluated: 2022-03-08. Review status: criteria provided, single submitter. Criteria: ACMG Guidelines, 2015. Collection method: clinical testing. Allele origin: germline. Affected: yes.
Comment: PVS1, PM2

NM_007118.4(TRIO):c.2570dup (p.Asn857fs)

Gene: TRIO (trio Rho guanine nucleotide exchange factor; plus strand). Cytogenetic location: 5p15.2.
Variant type: Duplication.
Coding change: c.2570dup on transcript NM_007118.4 (MANE Select); coding-DNA position 2570, one base duplicated (A; older notation c.2570dupA).
Protein change: p.Asn857fs; shifts the reading frame from asparagine 857.
Molecular consequence: frameshift variant. On other transcripts: non-coding transcript variant (1).
Genome position (GRCh38, 1-based): chr5:14,363,910, A duplicated; the last of 2 consecutive A bases (chr5:14,363,909-14,363,910); duplicating either gives the same sequence. VCF-style (leftmost placement, unchanged base first): chr5-14363908-C-CA. GRCh37 (hg19) VCF-style: chr5-14364017-C-CA.
Other names: short protein forms N857fs.
Identifiers: ClinVar variation 1675327 (VCV001675327.1), dbSNP rs2152340697, ClinGen allele CA2573138636.